The following is an entry in ClinVar:

ClinVar aggregate classification (germline): Benign/Likely benign. Review status: criteria provided, multiple submitters, no conflicts (2 of 4 stars). 6 submissions from 6 submitters: Benign (3); Likely benign (3). Last evaluated 2026-01-01.

Conditions:
Spastic paraplegia. Identifiers: MedGen C0037772, HP:0001258.

Allele frequency attached by ClinVar (database versions not stated): ESP Exome Variant Server 0.00015; gnomAD 0.00070; ExAC 0.00139; gnomAD exomes 0.00159; TOPMed 0.00160; 1000 Genomes Project 30x 0.00328; 1000 Genomes Project 0.00359.
gnomAD v4.1: 1,163 of 1,613,440 alleles (0.072%); highest among the groups gnomAD compares: East Asian, 1.4%; 13 homozygotes.

Submissions (6):

CeGaT Center for Human Genetics Tuebingen
Classification: Benign. Last evaluated: 2026-01-01. Review status: criteria provided, single submitter. Criteria: CeGaT Center For Human Genetics Tuebingen Variant Classification Criteria Version 2. Collection method: clinical testing. Allele origin: germline. Affected: yes. Observed: 1 variant allele.
Comment: AP4S1: BP4, BS1, BS2

Labcorp Genetics (formerly Invitae), Labcorp
Classification: Benign for Spastic paraplegia. Last evaluated: 2025-12-31. Review status: criteria provided, single submitter. Criteria: Invitae Variant Classification Sherloc (09022015). Collection method: clinical testing. Allele origin: germline.

GeneDx
Classification: Likely benign. Last evaluated: 2018-12-21. Review status: criteria provided, single submitter. Criteria: GeneDx Variant Classification Process June 2021. Collection method: clinical testing. Allele origin: germline. Affected: yes.

Center for Pediatric Genomic Medicine, Children's Mercy Hospital and Clinics
Classification: Likely benign. Last evaluated: 2016-05-03. Review status: criteria provided, single submitter. Criteria: ACMG Guidelines, 2015. Collection method: clinical testing. Allele origin: germline.
ClinVar note: Converted during submission from Likely Benign to Likely benign.

Genetic Services Laboratory, University of Chicago
Classification: Benign. Last evaluated: 2015-11-17. Review status: criteria provided, single submitter. Criteria: ACMG Guidelines, 2015. Collection method: clinical testing. Allele origin: germline. Affected: no.

Breakthrough Genomics
Classification: Likely benign. Review status: criteria provided, single submitter. Criteria: ACMG Guidelines, 2015. Collection method: not provided. Allele origin: germline. Inheritance: Autosomal recessive inheritance. Affected: yes.

NM_001128126.3(AP4S1):c.306+42G>A

Gene: AP4S1 (adaptor related protein complex 4 subunit sigma 1; plus strand). Cytogenetic location: 14q12.
Variant type: single nucleotide variant.
Coding change: c.306+42G>A on transcript NM_001128126.3 (MANE Select); 42 bases into the intron after coding-DNA position 306, G replaced by A.
Molecular consequence: intron variant. On other transcripts: missense variant (2).
Genome position (GRCh38, 1-based): chr14:31,080,626, G>A. VCF-style: chr14-31080626-G-A. GRCh37 (hg19) VCF-style: chr14-31549832-G-A.
Other names: c.348G>A, p.Met116Ile (NM_001254727.2, NM_007077.5); c.306+42G>A (NM_001254729.2, NM_001254728.2); c.295-4143G>A (NM_001254726.2); short protein forms M116I.
Identifiers: ClinVar variation 210219 (VCV000210219.25), dbSNP rs74807133, ClinGen allele CA206496.